The following is an entry in ClinVar:

NM_014845.6(FIG4):c.300G>A (p.Arg100=)

Gene: FIG4 (FIG4 phosphoinositide 5-phosphatase; plus strand). Cytogenetic location: 6q21.
Variant type: single nucleotide variant.
Coding change: c.300G>A on transcript NM_014845.6 (MANE Select); coding-DNA position 300, G replaced by A.
Protein change: p.Arg100=; no amino-acid change (arginine 100 retained).
Molecular consequence: synonymous variant.
Genome position (GRCh38, 1-based): chr6:109,727,119, G>A. VCF-style: chr6-109727119-G-A. GRCh37 (hg19) VCF-style: chr6-110048322-G-A.
Identifiers: ClinVar variation 543464 (VCV000543464.54), dbSNP rs368831195, ClinGen allele CA3955742.

ClinVar aggregate classification (germline): Likely benign. Review status: criteria provided, multiple submitters, no conflicts (2 of 4 stars). 5 submissions from 5 submitters: Likely benign (5). Last evaluated 2026-03-20.

Conditions:
Charcot-Marie-Tooth disease type 4. Also called: Charcot-Marie-Tooth disease, type IV; Charcot-Marie-Tooth, Type 4. Identifiers: Orphanet 64749, MedGen C4082197, MONDO:0018995.
FIG4-related disorder. Also called: FIG4-related disorders; FIG4-related condition.
Charcot-Marie-Tooth disease. Also called: Charcot-Marie-Tooth Neuropathy; Charcot-Marie-Tooth Hereditary Neuropathy. Identifiers: Orphanet 166, MedGen C0007959, MONDO:0015626.

Allele frequency attached by ClinVar (database versions not stated): gnomAD 0.00001 and 0.00002; gnomAD exomes 0.00002; ExAC 0.00003; TOPMed 0.00005; ESP Exome Variant Server 0.00015; 1000 Genomes Project 30x 0.00016; 1000 Genomes Project 0.00020.
gnomAD v4.1: 22 of 1,610,360 alleles (0.0014%); highest among the groups gnomAD compares: South Asian, 0.0077%; no homozygotes.

Submissions (5):

PreventionGenetics, part of Exact Sciences
Classification: Likely benign for FIG4-related condition. Last evaluated: 2026-03-20. Review status: criteria provided, single submitter. Criteria: ACMG Guidelines, 2015. Collection method: clinical testing. Allele origin: germline.
Comment: This variant is classified as likely benign based on ACMG/AMP sequence variant interpretation guidelines (Richards et al. 2015 PMID: 25741868, with internal and published modifications).

CeGaT Center for Human Genetics Tuebingen
Classification: Likely benign. Last evaluated: 2025-09-01. Review status: criteria provided, single submitter. Criteria: CeGaT Center For Human Genetics Tuebingen Variant Classification Criteria Version 2. Collection method: clinical testing. Allele origin: germline. Affected: yes. Observed: 2 variant alleles.
Comment: FIG4: BP4, BP7

Blueprint Genetics
Classification: Likely benign. Last evaluated: 2024-11-07. Review status: criteria provided, single submitter. Criteria: ACMG Guidelines, 2015. Collection method: clinical testing. Allele origin: germline.

Labcorp Genetics (formerly Invitae), Labcorp
Classification: Likely benign for Charcot-Marie-Tooth disease type 4. Last evaluated: 2024-10-27. Review status: criteria provided, single submitter. Criteria: Invitae Variant Classification Sherloc (09022015). Collection method: clinical testing. Allele origin: germline.

Molecular Genetics Laboratory, London Health Sciences Centre
Classification: Likely benign for Charcot-Marie-Tooth disease. Review status: criteria provided, single submitter. Criteria: ACMG Guidelines, 2015. Collection method: clinical testing. Allele origin: germline. Affected: yes.